The following is an entry in ClinVar:

NM_000051.4(ATM):c.1803-4_1808del

Gene: ATM (ATM serine/threonine kinase; plus strand). Cytogenetic location: 11q22.3.
Variant type: Deletion.
Coding change: c.1803-4_1808del on transcript NM_000051.4 (MANE Select); 4 bases into the intron before coding-DNA position 1803 through coding-DNA position 1808, 10 bases deleted (GTAGTAATTT; older notation c.1803-4_1808delGTAGTAATTT).
Molecular consequence: splice acceptor variant.
Genome position (GRCh38, 1-based): chr11:108,252,813-108,252,822, GTAGTAATTT deleted; deleting any 10 consecutive bases within chr11:108,252,810-108,252,822 gives the same sequence; the c. name uses the placement nearest the transcript's 3' end. VCF-style (leftmost placement, unchanged base first): chr11-108252809-CTTTGTAGTAA-C. GRCh37 (hg19) VCF-style: chr11-108123536-CTTTGTAGTAA-C.
Other names: c.1803-4_1808del (NM_001351834.2).
Identifiers: ClinVar variation 3372629 (VCV003372629.1).

ClinVar aggregate classification (germline): Likely pathogenic (1 of 4 stars; one submission).

Submission:

GeneDx
Classification: Likely pathogenic. Last evaluated: 2024-04-18. Review status: criteria provided, single submitter. Criteria: GeneDx Variant Classification Process June 2021. Collection method: clinical testing. Allele origin: germline. Affected: yes.
Comment: Canonical splice site variant predicted to result in a null allele in a gene for which loss of function is a known mechanism of disease; Not observed at significant frequency in large population cohorts (gnomAD); Has not been previously published as pathogenic or benign to our knowledge